The following is an entry in ClinVar:

ClinVar aggregate classification (germline): Likely benign (1 of 4 stars; one submission).

Submission:

CeGaT Center for Human Genetics Tuebingen
Classification: Likely benign. Last evaluated: 2022-12-01. Review status: criteria provided, single submitter. Criteria: CeGaT Center For Human Genetics Tuebingen Variant Classification Criteria Version 2. Collection method: clinical testing. Allele origin: germline. Affected: yes. Observed: 1 variant allele.
Comment: NRXN1: PM2:Supporting, BP4, BP7

NM_001330078.2(NRXN1):c.2946T>A (p.Pro982=)

Gene: NRXN1 (neurexin 1; minus strand). Cytogenetic location: 2p16.3.
Variant type: single nucleotide variant.
Coding change: c.2946T>A on transcript NM_001330078.2 (MANE Select); coding-DNA position 2946, T replaced by A.
Protein change: p.Pro982=; no amino-acid change (proline 982 retained).
Molecular consequence: synonymous variant.
Genome position (GRCh38, 1-based): chr2:50,496,029, A>T on the plus strand (T>A on the coding strand, the complement: NRXN1 is on the minus strand). VCF-style: chr2-50496029-A-T. GRCh37 (hg19) VCF-style: chr2-50723167-A-T.
Other names: c.3066T>A, p.Pro1022= (NM_001135659.3); c.2922T>A, p.Pro974= (NM_001330077.2, NM_001330082.2); c.2880T>A, p.Pro960= (NM_001330083.2, NM_001330084.2); c.2919T>A, p.Pro973= (NM_001330085.2); c.2946T>A, p.Pro982= (NM_001330086.2, NM_004801.6); c.2835T>A, p.Pro945= (NM_001330087.2, NM_001330096.2); c.2865T>A, p.Pro955= (NM_001330088.2); c.2943T>A, p.Pro981= (NM_001330093.2); and 2 more.
Identifiers: ClinVar variation 2650904 (VCV002650904.24), dbSNP rs2468899463, ClinGen allele CA426023283.